The following is an entry in ClinVar:

ClinVar aggregate classification (germline): Benign/Likely benign. Review status: criteria provided, multiple submitters, no conflicts (2 of 4 stars). 16 submissions from 16 submitters: Benign (9); Likely benign (3). 4 of the submissions do not count toward it. Last evaluated 2025-11-21.

Conditions:
Fanconi anemia (FA). Also called: Fanconi's anemia. Identifiers: Orphanet 84, MedGen C0015625, MeSH D005199, MONDO:0019391.
Hereditary breast ovarian cancer syndrome. Also called: BRCA1- and BRCA2-Associated Hereditary Breast and Ovarian Cancer; Hereditary breast and ovarian cancer; Hereditary breast and ovarian cancer syndrome; Hereditary breast and ovarian cancer syndrome (HBOC); Hereditary breast and/or ovarian cancer syndrome; Breast and ovarian cancer. Identifiers: Orphanet 145, MedGen C0677776, MeSH D061325, MONDO:0003582. Disease mechanism: loss of function.
Fanconi anemia complementation group D2. Also called: FANCONI PANCYTOPENIA, TYPE 4; FANCONI ANEMIA, COMPLEMENTATION GROUP D; FANCD2-Related Fanconi Anemia. Identifiers: Orphanet 84, MedGen C3160738, MONDO:0009214, OMIM 227646.

Allele frequency attached by ClinVar (database versions not stated): gnomAD 0.02714 and 0.02918; 1000 Genomes Project 0.03135; 1000 Genomes Project 30x 0.03186; gnomAD exomes 0.00249 and 0.00705; ExAC 0.00874; ESP Exome Variant Server 0.03521.
gnomAD v4.1: 8,007 of 1,613,156 alleles (0.5%); highest among the groups gnomAD compares: African/African-American, 9.4%; 9 homozygotes.

Submissions (16):

Dasa
Classification: Benign. Last evaluated: 2025-11-21. Review status: criteria provided, single submitter. Criteria: DASA Assertion Criteria. Collection method: clinical testing. Allele origin: germline.
Comment: NM_001018115.3(FANCD2):c.1367T>G (p.Leu456Arg) is a missense variant that results in the substitution of leucine with arginine. Population frequency is inconsistent with a disease-causing role for this variant, and observations in unaffected individuals support a benign interpretation. Therefore, based on the currently available evidence, this variant is classified as benign.

Labcorp Genetics (formerly Invitae), Labcorp
Classification: Benign for Fanconi anemia. Last evaluated: 2025-07-31. Review status: criteria provided, single submitter. Criteria: Invitae Variant Classification Sherloc (09022015). Collection method: clinical testing. Allele origin: germline.

ARUP Laboratories, Molecular Genetics and Genomics, ARUP Laboratories
Classification: Benign for Fanconi anemia complementation group D2. Last evaluated: 2025-01-13. Review status: criteria provided, single submitter. Criteria: ARUP Molecular Germline Variant Investigation Process 2024. Collection method: clinical testing. Allele origin: germline.

KCCC/NGS Laboratory, Kuwait Cancer Control Center
Classification: Benign for Fanconi anemia complementation group D2. Last evaluated: 2023-07-07. Review status: criteria provided, single submitter. Criteria: ACMG Guidelines, 2015. Collection method: clinical testing. Allele origin: germline. Affected: yes.

National Health Laboratory Service, Universitas Academic Hospital and University of the Free State
Classification: Benign for Hereditary breast ovarian cancer syndrome. Last evaluated: 2022-04-19. Review status: criteria provided, single submitter. Criteria: ACMG Guidelines, 2015. Collection method: clinical testing. Allele origin: germline. Affected: yes. Observed: 57 variant alleles.

Women's Health and Genetics/Laboratory Corporation of America, LabCorp
Classification: Benign. Last evaluated: 2021-12-20. Review status: criteria provided, single submitter. Criteria: LabCorp Variant Classification Summary - May 2015. Collection method: clinical testing. Allele origin: germline.
Comment: Variant summary: FANCD2 c.1367T>G (p.Leu456Arg) results in a non-conservative amino acid change in the encoded protein sequence. Three of five in-silico tools predict a benign effect of the variant on protein function. The variant allele was found at a frequency of 0.007 in 251396 control chromosomes, predominantly at a frequency of 0.099 within the African or African-American subpopulation in the gnomAD database, including 2 homozygotes. The observed variant frequency within African or African-American control individuals in the gnomAD database is approximately 204.49 fold of the estimated maximal expected allele frequency for a pathogenic variant in FANCD2 causing Fanconi Anemia phenotype (0.00048), strongly suggesting that the variant is a benign polymorphism found primarily in populations of African or African-American origin. Six clinical diagnostic laboratories have submitted clinical-significance assessments for this variant to ClinVar after 2014 without evidence for independent evaluation, with conflicting interpretation. Based on the evidence outlined above, the variant was classified as benign.

Sema4
Classification: Benign for Fanconi anemia. Last evaluated: 2020-09-10. Review status: criteria provided, single submitter. Criteria: Sema4 Curation Guidelines. Collection method: curation. Allele origin: germline.

GeneDx
Classification: Benign. Last evaluated: 2019-04-25. Review status: criteria provided, single submitter. Criteria: GeneDx Variant Classification Process June 2021. Collection method: clinical testing. Allele origin: germline. Affected: yes.
Comment: This variant is associated with the following publications: (PMID: 21356188, 27153395, 24728327, 20981092, 17436244)

Illumina Laboratory Services, Illumina
Classification: Likely benign for Fanconi anemia complementation group D2. Last evaluated: 2017-04-27. Review status: criteria provided, single submitter. Criteria: ICSL Variant Classification Criteria 13 December 2019. Collection method: clinical testing. Allele origin: germline.
Comment: This variant was observed as part of a predisposition screen in an ostensibly healthy population. A literature search was performed for the gene, cDNA change, and amino acid change (where applicable). Publications were found based on this search. The evidence from the literature, in combination with allele frequency data from public databases where available, was sufficient to determine this variant is unlikely to cause disease. Therefore, this variant is classified as likely benign.

Center for Pediatric Genomic Medicine, Children's Mercy Hospital and Clinics
Classification: Benign. Last evaluated: 2016-12-14. Review status: criteria provided, single submitter. Criteria: ACMG Guidelines, 2015. Collection method: clinical testing. Allele origin: germline.

Breakthrough Genomics
Classification: Likely benign. Review status: criteria provided, single submitter. Criteria: ACMG Guidelines, 2015. Collection method: not provided. Allele origin: germline. Inheritance: Autosomal recessive inheritance. Affected: yes.

PreventionGenetics, part of Exact Sciences
Classification: Likely benign. Review status: criteria provided, single submitter. Criteria: ACMG Guidelines, 2015. Collection method: clinical testing. Allele origin: germline.

ITMI
No classification provided. Condition: AllHighlyPenetrant. Last evaluated: 2013-09-19. Review status: no classification provided. Collection method: reference population. Allele origin: germline. Not counted in ClinVar's aggregate classification.
Comment: Please see associated publication for description of ethnicities

Genome Diagnostics Laboratory, Amsterdam University Medical Center
Classification: Benign. Review status: no assertion criteria provided. Collection method: clinical testing. Allele origin: germline. Affected: yes. Study: VKGL Data-share Consensus. Not counted in ClinVar's aggregate classification.

Laboratory of Diagnostic Genome Analysis, Leiden University Medical Center (LUMC)
Classification: Likely benign. Review status: no assertion criteria provided. Collection method: clinical testing. Allele origin: germline. Affected: yes. Study: VKGL Data-share Consensus. Not counted in ClinVar's aggregate classification.

Leiden Open Variation Database
Classification: Pathogenic for Fanconi anemia complementation group D2. Last evaluated: 2020-02-28. Review status: flagged submission. Collection method: curation. Allele origin: germline. Affected: yes. Not counted in ClinVar's aggregate classification.
Comment: Curator: Arleen D. Auerbach. Submitter to LOVD: Arleen D. Auerbach.
ClinVar note: Reason: Outlier claim with insufficient supporting evidence

Literature cited by the submitters: PubMed 17436244 (cited by Illumina Laboratory Services, Illumina and Leiden Open Variation Database); PubMed 21356188 (cited by Illumina Laboratory Services, Illumina); PubMed 24728327 (cited by ITMI).

NM_001018115.3(FANCD2):c.1367T>G (p.Leu456Arg)

Genes: FANCD2 (FA complementation group D2; plus strand), LOC107303338 (3p25 FANCD2 Alu-mediated recombination region; plus strand). Cytogenetic location: 3p25.3.
Variant type: single nucleotide variant.
Coding change: c.1367T>G on transcript NM_001018115.3 (MANE Select); coding-DNA position 1367, T replaced by G.
Protein change: p.Leu456Arg; replaces leucine 456 with arginine.
Molecular consequence: missense variant.
Genome position (GRCh38, 1-based): chr3:10,048,005, T>G. VCF-style: chr3-10048005-T-G. GRCh37 (hg19) VCF-style: chr3-10089689-T-G.
Other names: NP_001018125.1:p.Leu456Arg; c.1367T>G, p.Leu456Arg (NM_001319984.2, NM_001374253.1, NM_001374254.1 and 1 more transcripts); short protein forms L456R.
Identifiers: ClinVar variation 134311 (VCV000134311.35), dbSNP rs35782247, ClinGen allele CA159428.